The following is an entry in ClinVar:

NM_000117.3(EMD):c.503G>A (p.Arg168His)

Gene: EMD (emerin; plus strand). Cytogenetic location: Xq28.
Variant type: single nucleotide variant.
Coding change: c.503G>A on transcript NM_000117.3 (MANE Select); coding-DNA position 503, G replaced by A.
Protein change: p.Arg168His; replaces arginine 168 with histidine.
Molecular consequence: missense variant.
Genome position (GRCh38, 1-based): chrX:154,380,935, G>A. VCF-style: chrX-154380935-G-A. GRCh37 (hg19) VCF-style: chrX-153609295-G-A.
Other names: short protein forms R168H.
Identifiers: ClinVar variation 662583 (VCV000662583.7), dbSNP rs898460509, ClinGen allele CA415258617.
Genomic context (GRCh38, chrX:154,380,935, plus strand): 5'-GCCTCAGGGAACGCCCCATGTACGGCCGGGACAGTGCCTACCAGAGCATCACGCACTACC[G>A]CCCTGTTTCAGCCTCCAGGAGCTCCCTGGACCTGTCCTATTATCCTACTTCCTCCTCCAC-3'
Protein context (NP_000108.1, residues 158-178): DSAYQSITHY[Arg168His]PVSASRSSLD

ClinVar aggregate classification (germline): Uncertain significance. Review status: criteria provided, single submitter (1 of 4 stars). 2 submissions from 2 submitters: Uncertain significance (1). 1 of the submissions does not count toward it. Last evaluated 2021-09-01.

Conditions:
Emery-Dreifuss muscular dystrophy (EDMD). Also called: Scapuloperoneal syndrome, X-linked (formerly); Humeroperoneal neuromuscular disease, (formerly). Identifiers: Orphanet 261, MedGen C0410189, MONDO:0016830.
X-linked Emery-Dreifuss muscular dystrophy. Also called: Muscular dystrophy, tardive Emery-Dreifuss type, with contractures. Identifiers: Orphanet 261, Orphanet 98863, MedGen C0751337, MONDO:0010680.

Allele frequency attached by ClinVar (database versions not stated): TOPMed 0.00001.

Submissions (2):

Labcorp Genetics (formerly Invitae), Labcorp
Classification: Uncertain significance for X-linked Emery-Dreifuss muscular dystrophy. Last evaluated: 2021-09-01. Review status: criteria provided, single submitter. Criteria: Invitae Variant Classification Sherloc (09022015). Collection method: clinical testing. Allele origin: germline.
Comment: This sequence change replaces arginine with histidine at codon 168 of the EMD protein (p.Arg168His). The arginine residue is highly conserved and there is a small physicochemical difference between arginine and histidine. This variant is not present in population databases (ExAC no frequency). This variant has not been reported in the literature in individuals affected with EMD-related conditions. Algorithms developed to predict the effect of missense changes on protein structure and function are either unavailable or do not agree on the potential impact of this missense change (SIFT: "Deleterious"; PolyPhen-2: "Probably Damaging"; Align-GVGD: "Class C0"). In summary, the available evidence is currently insufficient to determine the role of this variant in disease. Therefore, it has been classified as a Variant of Uncertain Significance.

Natera, Inc.
Classification: Uncertain significance for Emery-Dreifuss muscular dystrophy. Last evaluated: 2021-01-14. Review status: no assertion criteria provided. Collection method: clinical testing. Allele origin: germline. Not counted in ClinVar's aggregate classification.